The following is an entry in ClinVar:

ClinVar aggregate classification (germline): Conflicting classifications of pathogenicity. Review status: criteria provided, conflicting classifications (1 of 4 stars). 3 submissions from 3 submitters: Uncertain significance (1); Likely benign (2). Last evaluated 2025-08-22.

Allele frequency attached by ClinVar (database versions not stated): ESP Exome Variant Server 0.00171; TOPMed 0.00256; gnomAD 0.00274; ExAC 0.00336; gnomAD exomes 0.00404; 1000 Genomes Project 0.00120; 1000 Genomes Project 30x 0.00125.

Submissions (3):

Ambry Genetics
Classification: Uncertain significance. Last evaluated: 2025-08-22. Review status: criteria provided, single submitter. Criteria: Ambry Variant Classification Scheme 2023. Collection method: clinical testing. Allele origin: germline.

Blueprint Genetics
Classification: Likely benign. Last evaluated: 2024-11-26. Review status: criteria provided, single submitter. Criteria: ACMG Guidelines, 2015. Collection method: clinical testing. Allele origin: germline.

CeGaT Center for Human Genetics Tuebingen
Classification: Likely benign. Last evaluated: 2023-04-01. Review status: criteria provided, single submitter. Criteria: CeGaT Center For Human Genetics Tuebingen Variant Classification Criteria Version 2. Collection method: clinical testing. Allele origin: germline. Affected: yes. Observed: 1 variant allele.
Comment: FOXD4: BS2

NM_207305.5(FOXD4):c.274T>A (p.Ser92Thr)

Gene: FOXD4 (forkhead box D4; minus strand). Cytogenetic location: 9p24.3.
Variant type: single nucleotide variant.
Coding change: c.274T>A on transcript NM_207305.5 (MANE Select); coding-DNA position 274, T replaced by A.
Protein change: p.Ser92Thr; replaces serine 92 with threonine.
Molecular consequence: missense variant.
Genome position (GRCh38, 1-based): chr9:117,846, A>T on the plus strand (T>A on the coding strand, the complement: FOXD4 is on the minus strand). VCF-style: chr9-117846-A-T. GRCh37 (hg19) VCF-style: chr9-117846-A-T.
Other names: c.274T>A (NM_207305.3); short protein forms S92T.
Identifiers: ClinVar variation 2659012 (VCV002659012.26), dbSNP rs139668562, ClinGen allele CA4956083.
Genomic context (GRCh38, chr9:117,846, plus strand): 5'-GCGCGATGTACGAGGAGGGGGGCTTTGCCGGCTGCCGGGCATCTTCAGAGGCCGCCGCAG[A>T]CCTTGGCGGTGCCCTGAACTCGGTGCCAAACTCTGAGGGGTCGCTCGGGCCGCCGCCGCC-3'
Protein context (NP_997188.2, residues 82-102): FGTEFRAPPR[Ser92Thr]AAASEDARQP